The following is an entry in ClinVar:

NM_012463.4(ATP6V0A2):c.1721A>G (p.His574Arg)

Gene: ATP6V0A2 (ATPase H+ transporting V0 subunit a2; plus strand). Cytogenetic location: 12q24.31.
Variant type: single nucleotide variant.
Coding change: c.1721A>G on transcript NM_012463.4 (MANE Select); coding-DNA position 1721, A replaced by G.
Protein change: p.His574Arg; replaces histidine 574 with arginine.
Molecular consequence: missense variant.
Genome position (GRCh38, 1-based): chr12:123,747,722, A>G. VCF-style: chr12-123747722-A-G. GRCh37 (hg19) VCF-style: chr12-124232269-A-G.
Other names: short protein forms H574R.
Identifiers: ClinVar variation 4764716 (VCV004764716.1).
Genomic context (GRCh38, chr12:123,747,722, plus strand): 5'-TGTCCGTGATTTTAGGAATCATTCATATGACTTTTGGAGTCATTCTGGGAATATTTAACC[A>G]CTTGTAAGTACAGATTTTTTTTTAAGCAATATTTATAAACCAAACTTGGCATTTCTTCAA-3'
Protein context (NP_036595.2, residues 564-584): TFGVILGIFN[His574Arg]LHFRKKFNIY

ClinVar aggregate classification (germline): Uncertain significance (1 of 4 stars; one submission).

Conditions:
ALG9 congenital disorder of glycosylation (CDG1L). Also called: CDG Il; CONGENITAL DISORDER OF GLYCOSYLATION, TYPE Il; ALG9-CDG. Identifiers: Orphanet 79328, MedGen C2931006, MONDO:0012117, OMIM 608776.

Submission:

Labcorp Genetics (formerly Invitae), Labcorp
Classification: Uncertain significance for ALG9 congenital disorder of glycosylation. Last evaluated: 2025-09-04. Review status: criteria provided, single submitter. Criteria: Invitae Variant Classification Sherloc (09022015). Collection method: clinical testing. Allele origin: germline.
Comment: This sequence change replaces histidine, which is basic and polar, with arginine, which is basic and polar, at codon 574 of the ATP6V0A2 protein (p.His574Arg). This variant is not present in population databases (gnomAD no frequency). This variant has not been reported in the literature in individuals affected with ATP6V0A2-related conditions. Invitae Evidence Modeling of protein sequence and biophysical properties (such as structural, functional, and spatial information, amino acid conservation, physicochemical variation, residue mobility, and thermodynamic stability) indicates that this missense variant is not expected to disrupt ATP6V0A2 protein function with a negative predictive value of 80%. In summary, the available evidence is currently insufficient to determine the role of this variant in disease. Therefore, it has been classified as a Variant of Uncertain Significance.